The following is an entry in ClinVar:

ClinVar aggregate classification (germline): Uncertain significance (1 of 4 stars; one submission).

gnomAD v4.1: 12 of 1,613,788 alleles (0.00074%); highest among the groups gnomAD compares: South Asian, 0.0011%; 1 homozygote.

Submission:

CeGaT Center for Human Genetics Tuebingen
Classification: Uncertain significance. Last evaluated: 2025-08-01. Review status: criteria provided, single submitter. Criteria: CeGaT Center For Human Genetics Tuebingen Variant Classification Criteria Version 2. Collection method: clinical testing. Allele origin: germline. Affected: yes. Observed: 1 variant allele.
Comment: TNRC6B: PM2:Supporting, BP4

NM_001162501.2(TNRC6B):c.615C>T (p.Ser205=)

Gene: TNRC6B (trinucleotide repeat containing adaptor 6B; plus strand). Cytogenetic location: 22q13.1.
Variant type: single nucleotide variant.
Coding change: c.615C>T on transcript NM_001162501.2 (MANE Select); coding-DNA position 615, C replaced by T.
Protein change: p.Ser205=; no amino-acid change (serine 205 retained).
Molecular consequence: synonymous variant. On other transcripts: intron variant (1).
Genome position (GRCh38, 1-based): chr22:40,264,845, C>T. VCF-style: chr22-40264845-C-T. GRCh37 (hg19) VCF-style: chr22-40660849-C-T.
Other names: c.615C>T, p.Ser205= (NM_015088.3); c.565+2672C>T (NM_001024843.2).
Identifiers: ClinVar variation 4084986 (VCV004084986.8).